The following is an entry in ClinVar:

NM_001289080.2(CNTN6):c.288C>T (p.Gly96=)

Gene: CNTN6 (contactin 6; plus strand). Cytogenetic location: 3p26.3.
Variant type: single nucleotide variant.
Coding change: c.288C>T on transcript NM_001289080.2 (MANE Select); coding-DNA position 288, C replaced by T.
Protein change: p.Gly96=; no amino-acid change (glycine 96 retained).
Molecular consequence: synonymous variant. On other transcripts: 5 prime UTR variant (4).
Genome position (GRCh38, 1-based): chr3:1,227,923, C>T. VCF-style: chr3-1227923-C-T. GRCh37 (hg19) VCF-style: chr3-1269607-C-T.
Other names: NC_000003.11:g.1269607C>T; c.72C>T, p.Gly24= (NM_001289081.2); c.288C>T, p.Gly96= (NM_001349350.2, NM_001349351.2, NM_001349352.2 and 7 more transcripts); c.-650C>T (NM_001349359.2); c.-528C>T (NM_001349360.2); c.-830C>T (NM_001349361.2); c.-732C>T (NM_001349362.2).
Identifiers: ClinVar variation 773864 (VCV000773864.8), dbSNP rs61739199, ClinGen allele CA2225707.

ClinVar aggregate classification (germline): Benign. Review status: criteria provided, multiple submitters, no conflicts (2 of 4 stars). 3 submissions from 3 submitters: Benign (2). 1 of the submissions does not count toward it. Last evaluated 2019-12-31.

Conditions:
CNTN6-related disorder. Also called: CNTN6-related condition.

Allele frequency attached by ClinVar (database versions not stated): TOPMed 0.00543; gnomAD 0.00556 and 0.00599; 1000 Genomes Project 0.00619; ESP Exome Variant Server 0.00638; 1000 Genomes Project 30x 0.00640; gnomAD exomes 0.00756 and 0.00969; ExAC 0.00814.
gnomAD v4.1: 15,004 of 1,613,952 alleles (0.93%); highest among the groups gnomAD compares: South Asian, 1.7%; 112 homozygotes.

Submissions (11):

Labcorp Genetics (formerly Invitae), Labcorp
Classification: Benign. Last evaluated: 2019-12-31. Review status: criteria provided, single submitter. Criteria: Invitae Variant Classification Sherloc (09022015). Collection method: clinical testing. Allele origin: germline.

Breakthrough Genomics
Classification: Benign. Review status: criteria provided, single submitter. Criteria: ACMG Guidelines, 2015. Collection method: not provided. Allele origin: germline. Inheritance: Unknown mechanism. Affected: yes.

PreventionGenetics, part of Exact Sciences
Classification: Benign for CNTN6-related condition. Last evaluated: 2019-06-21. Review status: no assertion criteria provided. Collection method: clinical testing. Allele origin: germline. Not counted in ClinVar's aggregate classification.
Comment: This variant is classified as benign based on ACMG/AMP sequence variant interpretation guidelines (Richards et al. 2015 PMID: 25741868, with internal and published modifications).

Dr. Peter K. Rogan Lab, Western University
No classification provided (evidence only). Condition: Thyroid cancer, nonmedullary, 1. Review status: no classification provided. Collection method: in vitro. Allele origin: not applicable. Functional consequence: retained intron. Not counted in ClinVar's aggregate classification.

Dr. Peter K. Rogan Lab, Western University
No classification provided (evidence only). Condition: Thyroid cancer, nonmedullary, 1. Review status: no classification provided. Collection method: in vitro. Allele origin: not applicable. Functional consequence: retained intron. Not counted in ClinVar's aggregate classification.

Dr. Peter K. Rogan Lab, Western University
No classification provided (evidence only). Condition: Sarcoma. Review status: no classification provided. Collection method: in vitro. Allele origin: not applicable. Functional consequence: retained intron. Not counted in ClinVar's aggregate classification.

Dr. Peter K. Rogan Lab, Western University
No classification provided (evidence only). Condition: Nonpapillary renal cell carcinoma. Review status: no classification provided. Collection method: in vitro. Allele origin: not applicable. Functional consequence: retained intron. Not counted in ClinVar's aggregate classification.

Dr. Peter K. Rogan Lab, Western University
No classification provided (evidence only). Condition: Thymoma. Review status: no classification provided. Collection method: in vitro. Allele origin: not applicable. Functional consequence: retained intron. Not counted in ClinVar's aggregate classification.

Dr. Peter K. Rogan Lab, Western University
No classification provided (evidence only). Condition: Gastric cancer. Review status: no classification provided. Collection method: in vitro. Allele origin: not applicable. Functional consequence: retained intron. Not counted in ClinVar's aggregate classification.

Dr. Peter K. Rogan Lab, Western University
No classification provided (evidence only). Condition: Uterine carcinosarcoma. Review status: no classification provided. Collection method: in vitro. Allele origin: not applicable. Functional consequence: retained intron. Not counted in ClinVar's aggregate classification.

Dr. Peter K. Rogan Lab, Western University
No classification provided (evidence only). Condition: Malignant tumor of esophagus. Review status: no classification provided. Collection method: in vitro. Allele origin: not applicable. Functional consequence: retained intron. Not counted in ClinVar's aggregate classification.